The following is an entry in ClinVar:

NM_005188.4(CBL):c.1148T>C (p.Ile383Thr)

Gene: CBL (Cbl proto-oncogene; plus strand). Cytogenetic location: 11q23.3.
Variant type: single nucleotide variant.
Coding change: c.1148T>C on transcript NM_005188.4 (MANE Select); coding-DNA position 1148, T replaced by C.
Protein change: p.Ile383Thr; replaces isoleucine 383 with threonine.
Molecular consequence: missense variant.
Genome position (GRCh38, 1-based): chr11:119,278,218, T>C. VCF-style: chr11-119278218-T-C. GRCh37 (hg19) VCF-style: chr11-119148928-T-C.
Other names: short protein forms I383T.
Identifiers: ClinVar variation 2897261 (VCV002897261.3), dbSNP rs2135303706, ClinGen allele CA382912529.

ClinVar aggregate classification (germline): Uncertain significance (1 of 4 stars; one submission).

Conditions:
RASopathy. Also called: Noonan spectrum disorder; rasopathies. Identifiers: Orphanet 536391, MedGen C5555857, MONDO:0021060.

Submission:

Labcorp Genetics (formerly Invitae), Labcorp
Classification: Uncertain significance for RASopathy. Last evaluated: 2025-11-25. Review status: criteria provided, single submitter. Criteria: Invitae Variant Classification Sherloc (09022015). Collection method: clinical testing. Allele origin: germline.
Comment: This sequence change replaces isoleucine, which is neutral and non-polar, with threonine, which is neutral and polar, at codon 383 of the CBL protein (p.Ile383Thr). This variant is not present in population databases (gnomAD no frequency). This variant has not been reported in the literature in individuals affected with CBL-related conditions. ClinVar contains an entry for this variant (Variation ID: 2897261). Invitae Evidence Modeling of protein sequence and biophysical properties (such as structural, functional, and spatial information, amino acid conservation, physicochemical variation, residue mobility, and thermodynamic stability) indicates that this missense variant is expected to disrupt CBL protein function with a positive predictive value of 95%. In summary, the available evidence is currently insufficient to determine the role of this variant in disease. Therefore, it has been classified as a Variant of Uncertain Significance.